The following is an entry in ClinVar:

ClinVar aggregate classification (germline): Uncertain significance (1 of 4 stars; one submission).

Conditions:
Primary dilated cardiomyopathy (DCM). Also called: Dilated Cardiomyopathy. Identifiers: Orphanet 217604, MedGen C0007193, MeSH D002311, MONDO:0005021, HP:0001644. Inheritance: Various modes of inheritance.

Allele frequency attached by ClinVar (database versions not stated): TOPMed below 0.00001.

Submission:

All of Us Research Program, National Institutes of Health
Classification: Uncertain significance for Primary dilated cardiomyopathy. Last evaluated: 2023-02-10. Review status: criteria provided, single submitter. Criteria: ACMG Guidelines, 2015. Collection method: clinical testing. Allele origin: germline. Inheritance: Autosomal dominant inheritance. Observed: 1 variant allele, 1 heterozygote.
Comment: This study involves interpretation of variants in research participants for the purpose of population health screening. Participant phenotype was not available at the time of variant classification. Additional details can be found in publication PMID: 35346344, PMCID: PMC8962531

NM_170707.4(LMNA):c.302G>T (p.Arg101Leu)

Gene: LMNA (lamin A/C; plus strand). Cytogenetic location: 1q22.
Variant type: single nucleotide variant.
Coding change: c.302G>T on transcript NM_170707.4 (MANE Select); coding-DNA position 302, G replaced by T.
Protein change: p.Arg101Leu; replaces arginine 101 with leucine.
Molecular consequence: missense variant. On other transcripts: 5 prime UTR variant (8), intron variant (2).
Genome position (GRCh38, 1-based): chr1:156,115,220, G>T. VCF-style: chr1-156115220-G-T. GRCh37 (hg19) VCF-style: chr1-156085011-G-T.
Other names: c.302G>T, p.Arg101Leu (NM_001282625.2, NM_001282626.2, NM_001406983.1 and 6 more transcripts); c.-122G>T (NM_001406986.1); c.-100G>T (NM_001406990.1, NM_001406995.1, NM_001407002.1); c.-363G>T (NM_001406994.1, NM_001407000.1); c.-543G>T (NM_001406999.1); c.-206G>T (NM_001407001.1); c.-203+8397G>T (NM_001406993.1, NM_001407003.1); short protein forms R101L.
Identifiers: ClinVar variation 3069427 (VCV003069427.1), dbSNP rs267607568, ClinGen allele CA342808698.